The following is an entry in ClinVar:

ClinVar aggregate classification (germline): Conflicting classifications of pathogenicity. Review status: criteria provided, conflicting classifications (1 of 4 stars). 6 submissions from 6 submitters: Uncertain significance (5); Likely benign (1). Last evaluated 2025-06-02.

Conditions:
Hereditary breast ovarian cancer syndrome. Also called: Hereditary breast and ovarian cancer syndrome (HBOC); BRCA1- and BRCA2-Associated Hereditary Breast and Ovarian Cancer; Hereditary breast and/or ovarian cancer syndrome; Hereditary breast and ovarian cancer syndrome; Hereditary breast and ovarian cancer; Breast and ovarian cancer. Identifiers: Orphanet 145, MedGen C0677776, MeSH D061325, MONDO:0003582. Disease mechanism: loss of function.
Hereditary cancer-predisposing syndrome. Also called: Neoplastic Syndromes, Hereditary; Hereditary neoplastic syndrome; Tumor predisposition; Hereditary Cancer Syndrome. Identifiers: Orphanet 140162, MedGen C0027672, MeSH D009386, MONDO:0015356.
Breast-ovarian cancer, familial, susceptibility to, 1 (BROVCA1). Also called: BRCA1 Hereditary Breast and Ovarian Cancer; OVARIAN CANCER, SUSCEPTIBILITY TO. Identifiers: Orphanet 145, MedGen C2676676, MONDO:0011450, OMIM 604370. Disease mechanism: loss of function.

Allele frequency attached by ClinVar (database versions not stated): gnomAD exomes below 0.00001 and 0.00001; ExAC 0.00001.
gnomAD v4.1: 3 of 1,614,152 alleles (0.00019%); highest among the groups gnomAD compares: South Asian, 0.0011%; no homozygotes.

Submissions (6):

Color Diagnostics, LLC DBA Color Health
Classification: Uncertain significance for Hereditary cancer-predisposing syndrome. Last evaluated: 2025-06-02. Review status: criteria provided, single submitter. Criteria: ACMG Guidelines, 2015. Collection method: clinical testing. Allele origin: germline.
Comment: This missense variant replaces histidine with tyrosine at codon 1618 of the BRCA1 protein. Computational prediction suggests that this variant may not impact protein structure and function. Splice site prediction tools suggest that this variant may not impact RNA splicing. A homology-mediated repair based assay reported intermediate activity for this variant protein (PMID: 35196514). This variant has been reported in an individual affected with ovarian cancer (PMID: 30555256). This variant has been identified in 1/251386 chromosomes in the general population by the Genome Aggregation Database (gnomAD). The available evidence is insufficient to determine the role of this variant in disease conclusively. Therefore, this variant is classified as a Variant of Uncertain Significance.

Labcorp Genetics (formerly Invitae), Labcorp
Classification: Uncertain significance for Hereditary breast ovarian cancer syndrome. Last evaluated: 2025-04-14. Review status: criteria provided, single submitter. Criteria: Invitae Variant Classification Sherloc (09022015). Collection method: clinical testing. Allele origin: germline.
Comment: This sequence change replaces histidine, which is basic and polar, with tyrosine, which is neutral and polar, at codon 1618 of the BRCA1 protein (p.His1618Tyr). This variant is present in population databases (rs755920262, gnomAD 0.0009%). This missense change has been observed in individual(s) with breast and/or ovarian cancer (PMID: 30555256). This variant is also known as c.4915C>T (p.His1639Tyr). ClinVar contains an entry for this variant (Variation ID: 418981). Invitae Evidence Modeling of protein sequence and biophysical properties (such as structural, functional, and spatial information, amino acid conservation, physicochemical variation, residue mobility, and thermodynamic stability) indicates that this missense variant is not expected to disrupt BRCA1 protein function with a negative predictive value of 95%. In summary, the available evidence is currently insufficient to determine the role of this variant in disease. Therefore, it has been classified as a Variant of Uncertain Significance.

Blueprint Genetics
Classification: Likely benign. Last evaluated: 2024-10-16. Review status: criteria provided, single submitter. Criteria: ACMG Guidelines, 2015. Collection method: clinical testing. Allele origin: germline.

GeneDx
Classification: Uncertain significance. Last evaluated: 2024-05-22. Review status: criteria provided, single submitter. Criteria: GeneDx Variant Classification Process June 2021. Collection method: clinical testing. Allele origin: germline. Affected: yes.
Comment: Not observed at significant frequency in large population cohorts (gnomAD); Published functional studies demonstrate intermediate cisplatin resistance (PMID: 35196514); Observed in an individual with breast cancer (PMID: 30555256); In silico analysis supports that this missense variant has a deleterious effect on protein structure/function; Also known as 4971C>T; This variant is associated with the following publications: (PMID: 10220405, 9974970, 11301010, 30555256, 35196514)

Ambry Genetics
Classification: Uncertain significance for Hereditary cancer-predisposing syndrome. Last evaluated: 2024-05-16. Review status: criteria provided, single submitter. Criteria: Ambry Variant Classification Scheme 2023. Collection method: clinical testing. Allele origin: germline.
Comment: The p.H1618Y variant (also known as c.4852C>T), located in coding exon 14 of the BRCA1 gene, results from a C to T substitution at nucleotide position 4852. The histidine at codon 1618 is replaced by tyrosine, an amino acid with similar properties. This amino acid position is not well conserved in available vertebrate species. In addition, the in silico prediction for this alteration is inconclusive. Based on the available evidence, the clinical significance of this variant remains unclear.

Baylor Genetics
Classification: Uncertain significance for Breast-ovarian cancer, familial, susceptibility to, 1. Last evaluated: 2023-10-30. Review status: criteria provided, single submitter. Criteria: ACMG Guidelines, 2015. Collection method: clinical testing. Allele origin: unknown.

Literature cited by the submitters: PubMed 30555256 (cited by Color Diagnostics, LLC DBA Color Health and Labcorp Genetics (formerly Invitae), Labcorp); PubMed 35196514 (cited by Color Diagnostics, LLC DBA Color Health).

NM_007294.4(BRCA1):c.4852C>T (p.His1618Tyr)

Gene: BRCA1 (BRCA1 DNA repair associated; minus strand). Cytogenetic location: 17q21.31.
Variant type: single nucleotide variant.
Coding change: c.4852C>T on transcript NM_007294.4 (MANE Select); coding-DNA position 4852, C replaced by T.
Protein change: p.His1618Tyr; replaces histidine 1618 with tyrosine.
Molecular consequence: missense variant. On other transcripts: non-coding transcript variant (1).
Genome position (GRCh38, 1-based): chr17:43,071,062, G>A on the plus strand (C>T on the coding strand, the complement: BRCA1 is on the minus strand). VCF-style: chr17-43071062-G-A. GRCh37 (hg19) VCF-style: chr17-41223079-G-A.
Other names: c.4708C>T, p.His1570Tyr (NM_001407744.1, NM_001407745.1, NM_001407746.1 and 21 more transcripts); c.4705C>T, p.His1569Tyr (NM_001407848.1, NM_001407849.1, NM_001407850.1 and 12 more transcripts); c.4852C>T, p.His1618Tyr (NM_001407854.1, NM_001407593.1, NM_001407594.1 and 8 more transcripts); c.4849C>T, p.His1617Tyr (NM_001407858.1, NM_001407859.1, NM_001407619.1 and 17 more transcripts); c.4642C>T, p.His1548Tyr (NM_001407885.1, NM_001407886.1, NM_001407887.1 and 5 more transcripts); c.4639C>T, p.His1547Tyr (NM_001407894.1, NM_001407895.1, NM_001407896.1 and 12 more transcripts); c.4636C>T, p.His1546Tyr (NM_001407916.1, NM_001407917.1, NM_001407918.1 and 1 more transcripts); c.4729C>T, p.His1577Tyr (NM_001407919.1, NM_001407937.1, NM_001407938.1 and 6 more transcripts); and 70 more; short protein forms H1618Y, H1571Y, H1639Y, H514Y, H1321Y, H1490Y, H1549Y, H1551Y.
Identifiers: ClinVar variation 418981 (VCV000418981.23), dbSNP rs755920262, ClinGen allele CA053358.